The following is an entry in ClinVar:

ClinVar aggregate classification (germline): Uncertain significance (1 of 4 stars; one submission).

Submission:

Labcorp Genetics (formerly Invitae), Labcorp
Classification: Uncertain significance. Last evaluated: 2025-03-23. Review status: criteria provided, single submitter. Criteria: Invitae Variant Classification Sherloc (09022015). Collection method: clinical testing. Allele origin: germline.
Comment: This sequence change replaces valine, which is neutral and non-polar, with leucine, which is neutral and non-polar, at codon 235 of the NFKB1 protein (p.Val235Leu). This variant is not present in population databases (gnomAD no frequency). This variant has not been reported in the literature in individuals affected with NFKB1-related conditions. ClinVar contains an entry for this variant (Variation ID: 1718902). Invitae Evidence Modeling of protein sequence and biophysical properties (such as structural, functional, and spatial information, amino acid conservation, physicochemical variation, residue mobility, and thermodynamic stability) indicates that this missense variant is expected to disrupt NFKB1 protein function with a positive predictive value of 80%. In summary, the available evidence is currently insufficient to determine the role of this variant in disease. Therefore, it has been classified as a Variant of Uncertain Significance.

NM_003998.4(NFKB1):c.703G>C (p.Val235Leu)

Gene: NFKB1 (nuclear factor kappa B subunit 1; plus strand). Cytogenetic location: 4q24.
Variant type: single nucleotide variant.
Coding change: c.703G>C on transcript NM_003998.4 (MANE Select); coding-DNA position 703, G replaced by C.
Protein change: p.Val235Leu; replaces valine 235 with leucine.
Molecular consequence: missense variant.
Genome position (GRCh38, 1-based): chr4:102,579,012, G>C. VCF-style: chr4-102579012-G-C. GRCh37 (hg19) VCF-style: chr4-103500169-G-C.
Other names: c.700G>C, p.Val234Leu (NM_001165412.2, NM_001319226.2, NM_001382627.1); c.703G>C, p.Val235Leu (NM_001382625.1, NM_001382626.1); c.661G>C, p.Val221Leu (NM_001382628.1); short protein forms V221L, V234L, V235L.
Identifiers: ClinVar variation 1718902 (VCV001718902.5), dbSNP rs768698948, ClinGen allele CA357959751.
Genomic context (GRCh38, chr4:102,579,012, plus strand): 5'-CTCATGTTTACAGCTTTTCTTCCGGATAGCACTGGCAGCTTCACAAGGCGCCTGGAACCC[G>C]TGGTATCAGACGCCATCTATGACAGTAGTGAGTACTTCACTTCCAACAGGGGGCACACCA-3'
Protein context (NP_003989.2, residues 225-245): TGSFTRRLEP[Val235Leu]VSDAIYDSKA